The following is an entry in ClinVar:

ClinVar aggregate classification (germline): Likely benign. Review status: criteria provided, multiple submitters, no conflicts (2 of 4 stars). 2 submissions from 2 submitters: Likely benign (2). Last evaluated 2026-01-26.

Conditions:
Pheochromocytoma/paraganglioma syndrome 5. Also called: Paragangliomas 5; SDHA-Related Hereditary Paraganglioma-Pheochromocytoma Syndrome. Identifiers: Orphanet 29072, MedGen C3279992, MONDO:0013602, OMIM 614165.
Mitochondrial complex II deficiency, nuclear type 1. Also called: SUCCINATE CoQ REDUCTASE DEFICIENCY. Identifiers: Orphanet 3208, MedGen C5700310, MONDO:0100294, OMIM 252011.

Allele frequency attached by ClinVar (database versions not stated): gnomAD exomes below 0.00001 and 0.00001; gnomAD 0.00001; TOPMed 0.00001.
gnomAD v4.1: 3 of 1,607,134 alleles (0.00019%); highest among the groups gnomAD compares: Admixed American, 0.0017%; no homozygotes.

Submissions (2):

Labcorp Genetics (formerly Invitae), Labcorp
Classification: Likely benign for Pheochromocytoma/paraganglioma syndrome 5; Mitochondrial complex II deficiency, nuclear type 1. Last evaluated: 2026-01-26. Review status: criteria provided, single submitter. Criteria: Invitae Variant Classification Sherloc (09022015). Collection method: clinical testing. Allele origin: germline.

Myriad Genetics, Inc.
Classification: Likely benign for Pheochromocytoma/paraganglioma syndrome 5. Last evaluated: 2025-03-10. Review status: criteria provided, single submitter. Criteria: Myriad Autosomal Dominant, Autosomal Recessive and X-Linked Classification Criteria (2023). Collection method: clinical testing. Allele origin: unknown.
Comment: This variant is considered likely benign. This variant is intronic and is not expected to impact mRNA splicing.

NM_004168.4(SDHA):c.1552-13T>C

Gene: SDHA (succinate dehydrogenase complex flavoprotein subunit A; plus strand). Cytogenetic location: 5p15.33.
Variant type: single nucleotide variant.
Coding change: c.1552-13T>C on transcript NM_004168.4 (MANE Select); 13 bases into the intron before coding-DNA position 1552, T replaced by C.
Molecular consequence: intron variant.
Genome position (GRCh38, 1-based): chr5:250,979, T>C. VCF-style: chr5-250979-T-C. GRCh37 (hg19) VCF-style: chr5-251094-T-C.
Other names: c.1552-3414T>C (NM_001330758.2); c.1408-13T>C (NM_001294332.2).
Identifiers: ClinVar variation 1577725 (VCV001577725.9), dbSNP rs1280763236, ClinGen allele CA557102392.